The following is an entry in ClinVar:

NM_013352.4(DSE):c.1658A>G (p.Asn553Ser)

Gene: DSE (dermatan sulfate epimerase; plus strand). Cytogenetic location: 6q22.1.
Variant type: single nucleotide variant.
Coding change: c.1658A>G on transcript NM_013352.4 (MANE Select); coding-DNA position 1658, A replaced by G.
Protein change: p.Asn553Ser; replaces asparagine 553 with serine.
Molecular consequence: missense variant. On other transcripts: 3 prime UTR variant (2), non-coding transcript variant (1).
Genome position (GRCh38, 1-based): chr6:116,436,126, A>G. VCF-style: chr6-116436126-A-G. GRCh37 (hg19) VCF-style: chr6-116757289-A-G.
Other names: c.1658A>G, p.Asn553Ser (NM_001080976.3, NM_001322937.2, NM_001322938.2); c.1715A>G, p.Asn572Ser (NM_001322939.2); c.1097A>G, p.Asn366Ser (NM_001322940.2, NM_001322941.2); c.*523A>G (NM_001322943.2, NM_001322944.2); c.659A>G, p.Asn220Ser (NM_001374520.1); c.623A>G, p.Asn208Ser (NM_001374521.1); short protein forms N220S, N366S, N572S, N208S, N553S.
Identifiers: ClinVar variation 2131779 (VCV002131779.4), dbSNP rs2482301018, ClinGen allele CA365402715.
Genomic context (GRCh38, chr6:116,436,126, plus strand): 5'-GGGTGGTTTTCATCCGAGGAGAAGGTGTGGGAGCTTATAACCCCCAGCTCAACCTGAAGA[A>G]TGTTCAGAGGAATCTCATCCTCCTACATCCACAGCTGCTTCTCCTTGTAGACCAAATACA-3'
Protein context (NP_037484.1, residues 543-563): GAYNPQLNLK[Asn553Ser]VQRNLILLHP

ClinVar aggregate classification (germline): Uncertain significance (1 of 4 stars; one submission).

Conditions:
Ehlers-Danlos syndrome, musculocontractural type 2 (EDSMC2). Identifiers: Orphanet 2953, MedGen C3809845, MONDO:0014236, OMIM 615539.

Allele frequency attached by ClinVar (database versions not stated): gnomAD exomes below 0.00001.
gnomAD v4.1: 2 of 1,612,970 alleles (0.00012%); highest among the groups gnomAD compares: Non-Finnish European, 0.00017%; no homozygotes.

Submission:

Labcorp Genetics (formerly Invitae), Labcorp
Classification: Uncertain significance for Ehlers-Danlos syndrome, musculocontractural type 2. Last evaluated: 2022-04-29. Review status: criteria provided, single submitter. Criteria: Invitae Variant Classification Sherloc (09022015). Collection method: clinical testing. Allele origin: germline.
Comment: In summary, the available evidence is currently insufficient to determine the role of this variant in disease. Therefore, it has been classified as a Variant of Uncertain Significance. Algorithms developed to predict the effect of missense changes on protein structure and function output the following: SIFT: "Not Available"; PolyPhen-2: "Benign"; Align-GVGD: "Not Available". The serine amino acid residue is found in multiple mammalian species, which suggests that this missense change does not adversely affect protein function. This sequence change replaces asparagine, which is neutral and polar, with serine, which is neutral and polar, at codon 553 of the DSE protein (p.Asn553Ser). This variant is not present in population databases (gnomAD no frequency). This variant has not been reported in the literature in individuals affected with DSE-related conditions.